The following is an entry in ClinVar:

NM_001128126.3(AP4S1):c.133G>A (p.Glu45Lys)

Gene: AP4S1 (adaptor related protein complex 4 subunit sigma 1; plus strand). Cytogenetic location: 14q12.
Variant type: single nucleotide variant.
Coding change: c.133G>A on transcript NM_001128126.3 (MANE Select); coding-DNA position 133, G replaced by A.
Protein change: p.Glu45Lys; replaces glutamic acid 45 with lysine.
Molecular consequence: missense variant.
Genome position (GRCh38, 1-based): chr14:31,066,329, G>A. VCF-style: chr14-31066329-G-A. GRCh37 (hg19) VCF-style: chr14-31535535-G-A.
Other names: c.133G>A, p.Glu45Lys (NM_001254726.2, NM_001254727.2, NM_001254728.2 and 2 more transcripts); c.133G>A (NM_007077.3); short protein forms E45K.
Identifiers: ClinVar variation 1351482 (VCV001351482.7), dbSNP rs377744052, ClinGen allele CA7144149.

ClinVar aggregate classification (germline): Uncertain significance. Review status: criteria provided, multiple submitters, no conflicts (2 of 4 stars). 2 submissions from 2 submitters: Uncertain significance (2). Last evaluated 2021-07-04.

Conditions:
Inborn genetic diseases. Identifiers: MedGen C0950123, MeSH D030342.
Spastic paraplegia. Identifiers: MedGen C0037772, HP:0001258.

Allele frequency attached by ClinVar (database versions not stated): gnomAD exomes 0.00005; ExAC 0.00007; 1000 Genomes Project 30x 0.00016; 1000 Genomes Project 0.00020; gnomAD 0.00023 and 0.00025; TOPMed 0.00028; ESP Exome Variant Server 0.00038.
gnomAD v4.1: 70 of 1,613,940 alleles (0.0043%); highest among the groups gnomAD compares: African/African-American, 0.081%; no homozygotes.

Submissions (2):

Labcorp Genetics (formerly Invitae), Labcorp
Classification: Uncertain significance for Spastic paraplegia. Last evaluated: 2021-07-04. Review status: criteria provided, single submitter. Criteria: Invitae Variant Classification Sherloc (09022015). Collection method: clinical testing. Allele origin: germline.
Comment: This sequence change replaces glutamic acid with lysine at codon 45 of the AP4S1 protein (p.Glu45Lys). The glutamic acid residue is highly conserved and there is a small physicochemical difference between glutamic acid and lysine. This variant is present in population databases (rs377744052, ExAC 0.08%). In summary, the available evidence is currently insufficient to determine the role of this variant in disease. Therefore, it has been classified as a Variant of Uncertain Significance. Algorithms developed to predict the effect of missense changes on protein structure and function are either unavailable or do not agree on the potential impact of this missense change (SIFT: "Deleterious"; PolyPhen-2: "Possibly Damaging"; Align-GVGD: "Class C15"). This variant has not been reported in the literature in individuals affected with AP4S1-related conditions.

Ambry Genetics
Classification: Uncertain significance for Inborn genetic diseases. Last evaluated: 2021-05-10. Review status: criteria provided, single submitter. Criteria: Ambry Variant Classification Scheme 2023. Collection method: clinical testing. Allele origin: germline.